The following is an entry in ClinVar:

NM_002880.4(RAF1):c.1420A>G (p.Ile474Val)

Gene: RAF1 (Raf-1 proto-oncogene, serine/threonine kinase; minus strand). Cytogenetic location: 3p25.2.
Variant type: single nucleotide variant.
Coding change: c.1420A>G on transcript NM_002880.4 (MANE Select); coding-DNA position 1420, A replaced by G.
Protein change: p.Ile474Val; replaces isoleucine 474 with valine.
Molecular consequence: missense variant. On other transcripts: non-coding transcript variant (3).
Genome position (GRCh38, 1-based): chr3:12,585,797, T>C on the plus strand (A>G on the coding strand, the complement: RAF1 is on the minus strand). VCF-style: chr3-12585797-T-C. GRCh37 (hg19) VCF-style: chr3-12627296-T-C.
Other names: c.1321A>G, p.Ile441Val (NM_001354693.3); c.1237A>G, p.Ile413Val (NM_001354694.3); c.1078A>G, p.Ile360Val (NM_001354695.3); c.1480A>G, p.Ile494Val (NM_001354689.3); c.1420A>G, p.Ile474Val (NM_001354690.3); c.1177A>G, p.Ile393Val (NM_001354691.3, NM_001354692.3); short protein forms I360V, I393V, I441V, I494V, I474V, I413V.
Identifiers: ClinVar variation 3713523 (VCV003713523.2).

ClinVar aggregate classification (germline): Uncertain significance (1 of 4 stars; one submission).

Conditions:
RASopathy. Also called: Noonan spectrum disorder; rasopathies. Identifiers: Orphanet 536391, MedGen C5555857, MONDO:0021060.

gnomAD v4.1: 3 of 1,601,326 alleles (0.00019%); highest among the groups gnomAD compares: Admixed American, 0.0017%; no homozygotes.

Submission:

Labcorp Genetics (formerly Invitae), Labcorp
Classification: Uncertain significance for RASopathy. Last evaluated: 2024-09-12. Review status: criteria provided, single submitter. Criteria: Invitae Variant Classification Sherloc (09022015). Collection method: clinical testing. Allele origin: germline.
Comment: This sequence change replaces isoleucine, which is neutral and non-polar, with valine, which is neutral and non-polar, at codon 474 of the RAF1 protein (p.Ile474Val). This variant is present in population databases (rs759107333, gnomAD 0.003%). This variant has not been reported in the literature in individuals affected with RAF1-related conditions. An algorithm developed to predict the effect of missense changes on protein structure and function (PolyPhen-2) suggests that this variant is likely to be disruptive. In summary, the available evidence is currently insufficient to determine the role of this variant in disease. Therefore, it has been classified as a Variant of Uncertain Significance.